The following is an entry in ClinVar:

ClinVar aggregate classification (germline): Benign/Likely benign. Review status: criteria provided, multiple submitters, no conflicts (2 of 4 stars). 3 submissions from 3 submitters: Benign (2); Likely benign (1). Last evaluated 2022-03-01.

Allele frequency attached by ClinVar (database versions not stated): 1000 Genomes Project 30x 0.00078; 1000 Genomes Project 0.00100; TOPMed 0.00148; gnomAD exomes 0.00161 and 0.00298; ExAC 0.00167; gnomAD 0.00167 and 0.00170; ESP Exome Variant Server 0.00223.
gnomAD v4.1: 4,602 of 1,614,174 alleles (0.29%); highest among the groups gnomAD compares: Non-Finnish European, 0.35%; 9 homozygotes.

Submissions (3):

CeGaT Center for Human Genetics Tuebingen
Classification: Likely benign. Last evaluated: 2022-03-01. Review status: criteria provided, single submitter. Criteria: CeGaT Center For Human Genetics Tuebingen Variant Classification Criteria Version 2. Collection method: clinical testing. Allele origin: germline. Affected: yes. Observed: 1 variant allele.
Comment: PAPPA: BP4, BP7

Labcorp Genetics (formerly Invitae), Labcorp
Classification: Benign. Last evaluated: 2018-06-08. Review status: criteria provided, single submitter. Criteria: Invitae Variant Classification Sherloc (09022015). Collection method: clinical testing. Allele origin: germline.

Breakthrough Genomics
Classification: Benign. Review status: criteria provided, single submitter. Criteria: ACMG Guidelines, 2015. Collection method: not provided. Allele origin: germline. Inheritance: Unknown mechanism. Affected: yes.

NM_002581.5(PAPPA):c.3702C>T (p.His1234=)

Genes: PAPPA (pappalysin 1; plus strand), PAPPA-AS2 (PAPPA antisense RNA 2; minus strand). Cytogenetic location: 9q33.1.
Variant type: single nucleotide variant.
Coding change: c.3702C>T on transcript NM_002581.5 (MANE Select); coding-DNA position 3702, C replaced by T.
Protein change: p.His1234=; no amino-acid change (histidine 1234 retained).
Molecular consequence: synonymous variant.
Genome position (GRCh38, 1-based): chr9:116,344,633, C>T. VCF-style: chr9-116344633-C-T. GRCh37 (hg19) VCF-style: chr9-119106912-C-T.
Identifiers: ClinVar variation 728709 (VCV000728709.28), dbSNP rs142033727, ClinGen allele CA5210097.